The following is an entry in ClinVar:

NM_025179.4(PLXNA2):c.2171C>T (p.Ala724Val)

Gene: PLXNA2 (plexin A2; minus strand). Cytogenetic location: 1q32.2.
Variant type: single nucleotide variant.
Coding change: c.2171C>T on transcript NM_025179.4 (MANE Select); coding-DNA position 2171, C replaced by T.
Protein change: p.Ala724Val; replaces alanine 724 with valine.
Molecular consequence: missense variant.
Genome position (GRCh38, 1-based): chr1:208,084,507, G>A on the plus strand (C>T on the coding strand, the complement: PLXNA2 is on the minus strand). VCF-style: chr1-208084507-G-A. GRCh37 (hg19) VCF-style: chr1-208257852-G-A.
Other names: short protein forms A724V.
Identifiers: ClinVar variation 4986988 (VCV004986988.1).
Genomic context (GRCh38, chr1:208,084,507, plus strand): 5'-TGTATGTTGAGGACACACTCATAGCCTCGCTGGCCGGACTGCGGCTGGGGCAGATTTCGC[G>A]CCTTAAGGGTGATTGGCTTTACCTCCCCGACTGGAATCAAGATCTCCTCTGTGGGCACCA-3'
Protein context (NP_079455.3, residues 714-734): VGEVKPITLK[Ala724Val]RNLPQPQSGQ

ClinVar aggregate classification (germline): Uncertain significance (1 of 4 stars; one submission).

Conditions:
PLXNA2-related disorder. Also called: PLXNA2-related condition.

gnomAD v4.1: 19 of 1,614,112 alleles (0.0012%); highest among the groups gnomAD compares: South Asian, 0.0022%; no homozygotes.

Submission:

PreventionGenetics, part of Exact Sciences
Classification: Uncertain significance for PLXNA2-related condition. Last evaluated: 2026-05-11. Review status: criteria provided, single submitter. Criteria: ACMG Guidelines, 2015. Collection method: clinical testing. Allele origin: germline.
Comment: The PLXNA2 c.2171C>T variant is predicted to result in the amino acid substitution p.Ala724Val. To our knowledge, this variant has not been reported in the literature. This variant is reported in 0.0033% of alleles in individuals of South Asian descent in gnomAD. At this time, the clinical significance of this variant is uncertain due to the absence of conclusive functional and genetic evidence.